The following is an entry in ClinVar:

ClinVar aggregate classification (germline): Benign. Review status: criteria provided, multiple submitters, no conflicts (2 of 4 stars). 2 submissions from 2 submitters: Benign (2). Last evaluated 2018-01-13.

Conditions:
Congenital lactic acidosis, Saguenay-Lac-Saint-Jean type (MC4DN5). Also called: CYTOCHROME c OXIDASE DEFICIENCY, FRENCH CANADIAN TYPE; COX DEFICIENCY, FRENCH CANADIAN TYPE; MITOCHONDRIAL COMPLEX IV DEFICIENCY, NUCLEAR TYPE 5. Identifiers: Orphanet 70472, MedGen C1857355, MONDO:0009069, OMIM 220111.

Allele frequency attached by ClinVar (database versions not stated): gnomAD 0.01668 and 0.01767; TOPMed 0.01965; 1000 Genomes Project 0.02296; 1000 Genomes Project 30x 0.02514.

Submissions (2):

Illumina Laboratory Services, Illumina
Classification: Benign for Congenital lactic acidosis, Saguenay-Lac-Saint-Jean type. Last evaluated: 2018-01-13. Review status: criteria provided, single submitter. Criteria: ICSL Variant Classification Criteria 13 December 2019. Collection method: clinical testing. Allele origin: germline.
Comment: This variant was observed in the ICSL laboratory as part of a predisposition screen in an ostensibly healthy population. It had not been previously curated by ICSL or reported in the Human Gene Mutation Database (HGMD: prior to June 1st, 2018), and was therefore a candidate for classification through an automated scoring system. Utilizing variant allele frequency, disease prevalence and penetrance estimates, and inheritance mode, an automated score was calculated to assess if this variant is too frequent to cause the disease. Based on the score and internal cut-off values, a variant classified as benign is not then subjected to further curation. The score for this variant resulted in a classification of benign for this disease.

Breakthrough Genomics
Classification: Benign. Review status: criteria provided, single submitter. Criteria: ACMG Guidelines, 2015. Collection method: not provided. Allele origin: germline. Inheritance: Autosomal recessive inheritance. Affected: yes.

NM_133259.4(LRPPRC):c.*1088G>C

Gene: LRPPRC (leucine rich pentatricopeptide repeat containing; minus strand). Cytogenetic location: 2p21.
Variant type: single nucleotide variant.
Coding change: c.*1088G>C on transcript NM_133259.4 (MANE Select); 1088 bases downstream of the stop codon, G replaced by C.
Molecular consequence: 3 prime UTR variant.
Genome position (GRCh38, 1-based): chr2:43,887,512, C>G on the plus strand (G>C on the coding strand, the complement: LRPPRC is on the minus strand). VCF-style: chr2-43887512-C-G. GRCh37 (hg19) VCF-style: chr2-44114651-C-G.
Identifiers: ClinVar variation 336130 (VCV000336130.6), dbSNP rs79225555, ClinGen allele CA10615548.